The following is an entry in ClinVar:

NM_000051.4(ATM):c.2674A>T (p.Lys892Ter)

Gene: ATM (ATM serine/threonine kinase; plus strand). Cytogenetic location: 11q22.3.
Variant type: single nucleotide variant.
Coding change: c.2674A>T on transcript NM_000051.4 (MANE Select); coding-DNA position 2674, A replaced by T.
Protein change: p.Lys892Ter; replaces lysine 892 with a stop codon.
Molecular consequence: nonsense.
Genome position (GRCh38, 1-based): chr11:108,268,445, A>T. VCF-style: chr11-108268445-A-T. GRCh37 (hg19) VCF-style: chr11-108139172-A-T.
Other names: c.2674A>T, p.Lys892Ter (NM_001351834.2); short protein forms K892*.
Identifiers: ClinVar variation 3393422 (VCV003393422.1).
Genomic context (GRCh38, chr11:108,268,445, plus strand): 5'-GTTAATGAGTGCTTTTTATTTTTAGGTGCCATTAATCCTTTAGCTGAAGAATATCTGTCA[A>T]AGCAAGATCTACTTTTCTTAGACATGCTCAAGTTCTTGTGTTTGTGTGTAACTACTGCTC-3'

ClinVar aggregate classification (germline): Likely pathogenic (1 of 4 stars; one submission).

Conditions:
Ataxia-telangiectasia syndrome (AT). Also called: AT, COMPLEMENTATION GROUP C; Cerebello-oculocutaneous telangiectasia; Immunodeficiency with ataxia telangiectasia; Ataxia-telangiectasia, complementation group D; Ataxia-telangiectasia; LOUIS-BAR SYNDROME. Identifiers: Orphanet 100, MedGen C0004135, MONDO:0008840, OMIM 208900.

Submission:

Neuberg Centre For Genomic Medicine, NCGM
Classification: Likely pathogenic for Ataxia-telangiectasia syndrome. Review status: criteria provided, single submitter. Criteria: ACMG Guidelines, 2015. Collection method: clinical testing. Allele origin: germline. Affected: yes.
Comment: The observed stop gained variant c.2674A>Tp.Lys892Ter in the ATM gene has not been reported previously as a pathogenic variant nor as a benign variant, to our knowledge. This variant is absent in the gnomAD Exomes. This variant is predicted to cause loss of normal protein function either through protein truncation or nonsense-mediated mRNA decay. Loss of function variants have been previously reported to be disease causing Shalash AS, et al., 2021. Computational evidence MutationTaster - Disease causing predicts damaging effect on protein structure and function for this variant. For these reasons, this variant has been classified as Likely Pathogenic.